The following is an entry in ClinVar:

NM_006231.4(POLE):c.542A>T (p.Asp181Val)

Gene: POLE (DNA polymerase epsilon, catalytic subunit; minus strand). Cytogenetic location: 12q24.33.
Variant type: single nucleotide variant.
Coding change: c.542A>T on transcript NM_006231.4 (MANE Select); coding-DNA position 542, A replaced by T.
Protein change: p.Asp181Val; replaces aspartic acid 181 with valine.
Molecular consequence: missense variant.
Genome position (GRCh38, 1-based): chr12:132,679,533, T>A on the plus strand (A>T on the coding strand, the complement: POLE is on the minus strand). VCF-style: chr12-132679533-T-A. GRCh37 (hg19) VCF-style: chr12-133256119-T-A.
Other names: short protein forms D181V.
Identifiers: ClinVar variation 473732 (VCV000473732.12), dbSNP rs1555230076, ClinGen allele CA387366866.
Genomic context (GRCh38, chr12:132,679,533, plus strand): 5'-TTTGCTCACAAGACCAAAGTTTACCTGGAAAGCAGAGCTGTGTACGCGTCGCTGGCGTGA[T>A]CCTGCTCCCTGTTCTTCTTCACGGCAGGGGAGATCTCCTTCCTCACTTTGACAAGATCCT-3'
Protein context (NP_006222.2, residues 171-191): SPAVKKNREQ[Asp181Val]HASDAYTALL

ClinVar aggregate classification (germline): Uncertain significance. Review status: criteria provided, multiple submitters, no conflicts (2 of 4 stars). 2 submissions from 2 submitters: Uncertain significance (2). Last evaluated 2025-06-10.

Conditions:
Hereditary cancer-predisposing syndrome. Also called: Neoplastic Syndromes, Hereditary; Tumor predisposition; Hereditary Cancer Syndrome; Hereditary neoplastic syndrome. Identifiers: Orphanet 140162, MedGen C0027672, MeSH D009386, MONDO:0015356.

gnomAD v4.1: 1 of 1,614,058 alleles (0.000062%); no homozygotes.

Submissions (2):

Ambry Genetics
Classification: Uncertain significance for Hereditary cancer-predisposing syndrome. Last evaluated: 2025-06-10. Review status: criteria provided, single submitter. Criteria: Ambry Variant Classification Scheme 2023. Collection method: clinical testing. Allele origin: germline.
Comment: The p.D181V variant (also known as c.542A>T), located in coding exon 6 of the POLE gene, results from an A to T substitution at nucleotide position 542. The aspartic acid at codon 181 is replaced by valine, an amino acid with highly dissimilar properties. This amino acid position is conserved. In addition, this alteration is predicted to be tolerated by in silico analysis. Since supporting evidence is limited at this time, the clinical significance of this alteration remains unclear.

Labcorp Genetics (formerly Invitae), Labcorp
Classification: Uncertain significance. Last evaluated: 2017-05-16. Review status: criteria provided, single submitter. Criteria: Invitae Variant Classification Sherloc (09022015). Collection method: clinical testing. Allele origin: germline.
Comment: In summary, this variant is a novel missense change with uncertain impact on protein function. It has been classified as a Variant of Uncertain Significance. Algorithms developed to predict the effect of sequence changes on RNA splicing suggest that this variant may alter RNA splicing, but this prediction has not been confirmed by published transcriptional studies. Algorithms developed to predict the effect of missense changes on protein structure and function (SIFT, PolyPhen-2, Align-GVGD) all suggest that this variant is likely to be tolerated, but these predictions have not been confirmed by published functional studies. This variant is not present in population databases (ExAC no frequency) and has not been reported in the literature in individuals with a POLE-related disease. This sequence change replaces aspartic acid with valine at codon 181 of the POLE protein (p.Asp181Val). The aspartic acid residue is weakly conserved and there is a large physicochemical difference between aspartic acid and valine.